The following is an entry in ClinVar:

ClinVar aggregate classification (germline): Likely benign. Review status: criteria provided, multiple submitters, no conflicts (2 of 4 stars). 6 submissions from 6 submitters: Likely benign (3). 3 of the submissions do not count toward it. Last evaluated 2026-09-21.

Conditions:
Cardiovascular phenotype. Identifiers: MedGen CN230736.
X-linked Emery-Dreifuss muscular dystrophy. Also called: Muscular dystrophy, tardive Emery-Dreifuss type, with contractures. Identifiers: Orphanet 261, Orphanet 98863, MedGen C0751337, MONDO:0010680.

Allele frequency attached by ClinVar (database versions not stated): gnomAD exomes 0.00001; TOPMed below 0.00001; gnomAD 0.00001.
gnomAD v4.1: 14 of 1,210,572 alleles (0.0012%); highest among the groups gnomAD compares: Non-Finnish European, 0.0016%; no homozygotes.

Submissions (6):

Molecular Diagnostic Laboratory for Inherited Cardiovascular Disease, Montreal Heart Institute
Classification: Likely benign. Last evaluated: 2026-09-21. Review status: criteria provided, single submitter. Criteria: ACMG Guidelines, 2015. Collection method: clinical testing. Allele origin: germline. Affected: no.
Comment: BP7

Labcorp Genetics (formerly Invitae), Labcorp
Classification: Likely benign for X-linked Emery-Dreifuss muscular dystrophy. Last evaluated: 2024-10-03. Review status: criteria provided, single submitter. Criteria: Invitae Variant Classification Sherloc (09022015). Collection method: clinical testing. Allele origin: germline.

Ambry Genetics
Classification: Likely benign for Cardiovascular phenotype. Last evaluated: 2024-04-23. Review status: criteria provided, single submitter. Criteria: Ambry Variant Classification Scheme 2023. Collection method: clinical testing. Allele origin: germline.

Clinical Genetics DNA and cytogenetics Diagnostics Lab, Erasmus MC, Erasmus Medical Center
Classification: Likely benign. Review status: no assertion criteria provided. Collection method: clinical testing. Allele origin: germline. Affected: yes. Study: VKGL Data-share Consensus. Not counted in ClinVar's aggregate classification.

Diagnostic Laboratory, Department of Genetics, University Medical Center Groningen
Classification: Likely benign. Review status: no assertion criteria provided. Collection method: clinical testing. Allele origin: germline. Affected: yes. Study: VKGL Data-share Consensus. Not counted in ClinVar's aggregate classification.

Joint Genome Diagnostic Labs from Nijmegen and Maastricht, Radboudumc and MUMC+
Classification: Likely benign. Review status: no assertion criteria provided. Collection method: clinical testing. Allele origin: germline. Affected: yes. Study: VKGL Data-share Consensus. Not counted in ClinVar's aggregate classification.

NM_000117.3(EMD):c.603C>T (p.Leu201=)

Gene: EMD (emerin; plus strand). Cytogenetic location: Xq28.
Variant type: single nucleotide variant.
Coding change: c.603C>T on transcript NM_000117.3 (MANE Select); coding-DNA position 603, C replaced by T.
Protein change: p.Leu201=; no amino-acid change (leucine 201 retained).
Molecular consequence: synonymous variant.
Genome position (GRCh38, 1-based): chrX:154,381,035, C>T. VCF-style: chrX-154381035-C-T. GRCh37 (hg19) VCF-style: chrX-153609395-C-T.
Other names: c.603C>T (NM_000117.2).
Identifiers: ClinVar variation 1174708 (VCV001174708.16), dbSNP rs1557182663, ClinGen allele CA519710073.